The following is an entry in ClinVar:

ClinVar aggregate classification (germline): Likely pathogenic (1 of 4 stars; one submission).

Allele frequency attached by ClinVar (database versions not stated): gnomAD 0.00001; gnomAD exomes 0.00001; TOPMed 0.00001.
gnomAD v4.1: 13 of 1,612,156 alleles (0.00081%); highest among the groups gnomAD compares: South Asian, 0.0022%; no homozygotes.

Submission:

GeneDx
Classification: Likely pathogenic. Last evaluated: 2020-03-27. Review status: criteria provided, single submitter. Criteria: GeneDx Variant Classification Process June 2021. Collection method: clinical testing. Allele origin: germline. Affected: yes.
Comment: Reported in a patient with features of a TBCD-related disorder who also harbored a second pathogenic TBCD variant (Liao et al., 2020); Not observed in large population cohorts (Lek et al., 2016); In silico analysis supports that this missense variant has a deleterious effect on protein structure/function; This variant is associated with the following publications: (PMID: 32117026)

NM_005993.5(TBCD):c.881G>A (p.Arg294Gln)

Gene: TBCD (tubulin folding cofactor D). Cytogenetic location: 17q25.3.
Variant type: single nucleotide variant.
Coding change: c.881G>A on transcript NM_005993.5 (MANE Select); coding-DNA position 881, G replaced by A.
Protein change: p.Arg294Gln; replaces arginine 294 with glutamine.
Molecular consequence: missense variant.
Genome position (GRCh38, 1-based): chr17:82,800,927, G>A. VCF-style: chr17-82800927-G-A. GRCh37 (hg19) VCF-style: chr17-80758803-G-A.
Other names: short protein forms R294Q.
Identifiers: ClinVar variation 449795 (VCV000449795.3), dbSNP rs949623707, ClinGen allele CA295295915.